The following is an entry in ClinVar:

ClinVar aggregate classification (germline): Uncertain significance (1 of 4 stars; one submission).

Allele frequency attached by ClinVar (database versions not stated): gnomAD exomes 0.00001; TOPMed 0.00001; gnomAD 0.00002; 1000 Genomes Project 0.00060; 1000 Genomes Project 30x 0.00078.
gnomAD v4.1: 15 of 1,613,954 alleles (0.00093%); highest among the groups gnomAD compares: East Asian, 0.031%; no homozygotes.

Submission:

Labcorp Genetics (formerly Invitae), Labcorp
Classification: Uncertain significance. Last evaluated: 2024-04-03. Review status: criteria provided, single submitter. Criteria: Invitae Variant Classification Sherloc (09022015). Collection method: clinical testing. Allele origin: germline.
Comment: This sequence change replaces tyrosine, which is neutral and polar, with serine, which is neutral and polar, at codon 5398 of the HMCN1 protein (p.Tyr5398Ser). This variant is present in population databases (rs189671723, gnomAD 0.05%). This variant has not been reported in the literature in individuals affected with HMCN1-related conditions. An algorithm developed to predict the effect of missense changes on protein structure and function (PolyPhen-2) suggests that this variant is likely to be disruptive. In summary, the available evidence is currently insufficient to determine the role of this variant in disease. Therefore, it has been classified as a Variant of Uncertain Significance.

NM_031935.3(HMCN1):c.16193A>C (p.Tyr5398Ser)

Gene: HMCN1 (hemicentin 1; plus strand). Cytogenetic location: 1q31.1.
Variant type: single nucleotide variant.
Coding change: c.16193A>C on transcript NM_031935.3 (MANE Select); coding-DNA position 16193, A replaced by C.
Protein change: p.Tyr5398Ser; replaces tyrosine 5398 with serine.
Molecular consequence: missense variant.
Genome position (GRCh38, 1-based): chr1:186,178,665, A>C. VCF-style: chr1-186178665-A-C. GRCh37 (hg19) VCF-style: chr1-186147797-A-C.
Other names: short protein forms Y5398S.
Identifiers: ClinVar variation 2884784 (VCV002884784.3), dbSNP rs189671723, ClinGen allele CA1295491.